The following is an entry in ClinVar:

ClinVar aggregate classification (germline): Benign/Likely benign. Review status: criteria provided, multiple submitters, no conflicts (2 of 4 stars). 3 submissions from 3 submitters: Benign (1); Likely benign (2). Last evaluated 2026-02-03.

Allele frequency attached by ClinVar (database versions not stated): ESP Exome Variant Server 0.00008; TOPMed 0.00040; gnomAD exomes 0.00048 and 0.00065; ExAC 0.00051; gnomAD 0.00071 and 0.00075.
gnomAD v4.1: 796 of 1,613,996 alleles (0.049%); highest among the groups gnomAD compares: Middle Eastern, 0.049%; no homozygotes.

Submissions (3):

Labcorp Genetics (formerly Invitae), Labcorp
Classification: Benign. Last evaluated: 2026-02-03. Review status: criteria provided, single submitter. Criteria: Invitae Variant Classification Sherloc (09022015). Collection method: clinical testing. Allele origin: germline.

Blueprint Genetics
Classification: Likely benign. Last evaluated: 2024-11-15. Review status: criteria provided, single submitter. Criteria: ACMG Guidelines, 2015. Collection method: clinical testing. Allele origin: germline.

CeGaT Center for Human Genetics Tuebingen
Classification: Likely benign. Last evaluated: 2023-03-01. Review status: criteria provided, single submitter. Criteria: CeGaT Center For Human Genetics Tuebingen Variant Classification Criteria Version 2. Collection method: clinical testing. Allele origin: germline. Affected: yes. Observed: 2 variant alleles.
Comment: PCLO: BP4, BP7

NM_033026.6(PCLO):c.5394A>G (p.Gln1798=)

Gene: PCLO (piccolo presynaptic cytomatrix protein; minus strand). Cytogenetic location: 7q21.11.
Variant type: single nucleotide variant.
Coding change: c.5394A>G on transcript NM_033026.6 (MANE Select); coding-DNA position 5394, A replaced by G.
Protein change: p.Gln1798=; no amino-acid change (glutamine 1798 retained).
Molecular consequence: synonymous variant.
Genome position (GRCh38, 1-based): chr7:82,955,559, T>C on the plus strand (A>G on the coding strand, the complement: PCLO is on the minus strand). VCF-style: chr7-82955559-T-C. GRCh37 (hg19) VCF-style: chr7-82584875-T-C.
Other names: c.5394A>G, p.Gln1798= (NM_014510.3).
Identifiers: ClinVar variation 444721 (VCV000444721.49), dbSNP rs372909168, ClinGen allele CA4320659.